The following is an entry in ClinVar:

ClinVar aggregate classification (germline): Uncertain significance (1 of 4 stars; one submission).

Conditions:
Hereditary cancer-predisposing syndrome. Also called: Neoplastic Syndromes, Hereditary; Tumor predisposition; Hereditary Cancer Syndrome; Hereditary neoplastic syndrome. Identifiers: Orphanet 140162, MedGen C0027672, MeSH D009386, MONDO:0015356.

Submission:

Ambry Genetics
Classification: Uncertain significance for Hereditary cancer-predisposing syndrome. Last evaluated: 2026-03-22. Review status: criteria provided, single submitter. Criteria: Ambry Variant Classification Scheme 2023. Collection method: clinical testing. Allele origin: germline.
Comment: The p.L337Q variant (also known as c.1010T>A), located in coding exon 8 of the TSC1 gene, results from a T to A substitution at nucleotide position 1010. The leucine at codon 337 is replaced by glutamine, an amino acid with dissimilar properties. This amino acid position is conserved. In addition, this alteration is predicted to be deleterious by in silico analysis. Based on the available evidence, the clinical significance of this variant remains unclear.

NM_000368.5(TSC1):c.1010T>A (p.Leu337Gln)

Gene: TSC1 (TSC complex subunit 1; minus strand). Cytogenetic location: 9q34.13.
Variant type: single nucleotide variant.
Coding change: c.1010T>A on transcript NM_000368.5 (MANE Select); coding-DNA position 1010, T replaced by A.
Protein change: p.Leu337Gln; replaces leucine 337 with glutamine.
Molecular consequence: missense variant. On other transcripts: 5 prime UTR variant (2), non-coding transcript variant (5).
Genome position (GRCh38, 1-based): chr9:132,911,472, A>T on the plus strand (T>A on the coding strand, the complement: TSC1 is on the minus strand). VCF-style: chr9-132911472-A-T. GRCh37 (hg19) VCF-style: chr9-135786859-A-T.
Other names: c.1010T>A, p.Leu337Gln (NM_001162426.2, NM_001406592.1, NM_001406593.1 and 16 more transcripts); c.857T>A, p.Leu286Gln (NM_001162427.2, NM_001406612.1, NM_001406613.1 and 2 more transcripts); c.647T>A, p.Leu216Gln (NM_001362177.2, NM_001406614.1, NM_001406615.1 and 10 more transcripts); c.59T>A, p.Leu20Gln (NM_001406626.1, NM_001406627.1, NM_001406628.1); c.-84T>A (NM_001406629.1, NM_001406630.1); short protein forms L20Q, L216Q, L286Q, L337Q.
Identifiers: ClinVar variation 4866016 (VCV004866016.1).